The following is an entry in ClinVar:

NM_014712.3(SETD1A):c.809G>A (p.Gly270Glu)

Gene: SETD1A (SET domain containing 1A, histone lysine methyltransferase; plus strand). Cytogenetic location: 16p11.2.
Variant type: single nucleotide variant.
Coding change: c.809G>A on transcript NM_014712.3 (MANE Select); coding-DNA position 809, G replaced by A.
Protein change: p.Gly270Glu; replaces glycine 270 with glutamic acid.
Molecular consequence: missense variant.
Genome position (GRCh38, 1-based): chr16:30,964,263, G>A. VCF-style: chr16-30964263-G-A. GRCh37 (hg19) VCF-style: chr16-30975584-G-A.
Other names: short protein forms G270E.
Identifiers: ClinVar variation 3906344 (VCV003906344.1).

ClinVar aggregate classification (germline): Uncertain significance (1 of 4 stars; one submission).

gnomAD v4.1: 19 of 1,613,768 alleles (0.0012%); highest among the groups gnomAD compares: Non-Finnish European, 0.0016%; no homozygotes.

Submission:

GeneDx
Classification: Uncertain significance. Last evaluated: 2024-12-23. Review status: criteria provided, single submitter. Criteria: GeneDx Variant Classification Process June 2021. Collection method: clinical testing. Allele origin: germline. Affected: yes.
Comment: Not observed at significant frequency in large population cohorts (gnomAD); In silico analysis supports that this missense variant has a deleterious effect on protein structure/function; Has not been previously published as pathogenic or benign to our knowledge